The following is an entry in ClinVar:

NM_001177316.2(SLC34A3):c.944del (p.Gly315fs)

Gene: SLC34A3 (solute carrier family 34 member 3; plus strand). Cytogenetic location: 9q34.3.
Variant type: Deletion.
Coding change: c.944del on transcript NM_001177316.2 (MANE Select); coding-DNA position 944, one base deleted (G; older notation c.944delG).
Protein change: p.Gly315fs; shifts the reading frame from glycine 315.
Molecular consequence: frameshift variant.
Genome position (GRCh38, 1-based): chr9:137,234,127, G deleted; the last of 3 consecutive G bases (chr9:137,234,125-137,234,127); deleting any one gives the same sequence. VCF-style (leftmost placement, unchanged base first): chr9-137234124-CG-C. GRCh37 (hg19) VCF-style: chr9-140128576-CG-C.
Other names: c.944del, p.Gly315fs (NM_001177317.2, NM_080877.3); short protein forms G315fs.
Identifiers: ClinVar variation 591424 (VCV000591424.4), dbSNP rs1473689787, ClinGen allele CA591374001.

ClinVar aggregate classification (germline): Pathogenic. Review status: criteria provided, single submitter (1 of 4 stars). 2 submissions from 2 submitters: Pathogenic (1). 1 of the submissions does not count toward it. Last evaluated 2024-05-06.

Submissions (2):

Labcorp Genetics (formerly Invitae), Labcorp
Classification: Pathogenic. Last evaluated: 2024-05-06. Review status: criteria provided, single submitter. Criteria: Invitae Variant Classification Sherloc (09022015). Collection method: clinical testing. Allele origin: germline.
Comment: This sequence change creates a premature translational stop signal (p.Gly315Alafs*28) in the SLC34A3 gene. It is expected to result in an absent or disrupted protein product. Loss-of-function variants in SLC34A3 are known to be pathogenic (PMID: 16358214, 16358215, 22159077). This variant is present in population databases (no rsID available, gnomAD 0.01%). This premature translational stop signal has been observed in individual(s) with nephrolithiasis (PMID: 34721296). ClinVar contains an entry for this variant (Variation ID: 591424). For these reasons, this variant has been classified as Pathogenic.

Gharavi Laboratory, Columbia University
Classification: Uncertain significance. Last evaluated: 2018-09-16. Review status: no assertion criteria provided. Criteria: ACMG Guidelines, 2015. Collection method: research. Allele origin: germline. Affected: yes. Not counted in ClinVar's aggregate classification.

Literature cited by the submitters: PubMed 16358214 (cited by Labcorp Genetics (formerly Invitae), Labcorp); PubMed 16358215 (cited by Labcorp Genetics (formerly Invitae), Labcorp); PubMed 22159077 (cited by Labcorp Genetics (formerly Invitae), Labcorp); PubMed 34721296 (cited by Labcorp Genetics (formerly Invitae), Labcorp).